The following is an entry in ClinVar:

NM_000169.3(GLA):c.1244_1246dup (p.Leu415_Gln416insLeu)

Genes: GLA (galactosidase alpha; minus strand), RPL36A-HNRNPH2 (RPL36A-HNRNPH2 readthrough; plus strand). Cytogenetic location: Xq22.1.
Variant type: Duplication.
Coding change: c.1244_1246dup on transcript NM_000169.3 (MANE Select); coding-DNA positions 1244 to 1246, 3 bases duplicated (TTC; older notation c.1244_1246dupTTC).
Protein change: p.Leu415_Gln416insLeu.
Molecular consequence: inframe insertion. On other transcripts: non-coding transcript variant (3), intron variant (2).
Genome position (GRCh38, 1-based): chrX:101,397,853-101,397,855, GAA duplicated on the plus strand (TTC on the coding strand, the reverse complement: GLA is on the minus strand); duplicating any 3 consecutive bases within chrX:101,397,853-101,397,856 gives the same sequence; the c. name uses the placement nearest the transcript's 3' end. VCF-style (leftmost placement, unchanged base first): chrX-101397852-T-TGAA. GRCh37 (hg19) VCF-style: chrX-100652840-T-TGAA.
Other names: c.1367_1369dup, p.Leu456_Gln457insLeu (NM_001406747.1); c.300+2397_300+2399dup (NM_001199973.2); c.177+6032_177+6034dup (NM_001199974.2).
Identifiers: ClinVar variation 4731846 (VCV004731846.1).

ClinVar aggregate classification (germline): Uncertain significance (1 of 4 stars; one submission).

Conditions:
Fabry disease. Also called: Fabry's disease; ALPHA-GALACTOSIDASE A DEFICIENCY; ANDERSON-FABRY DISEASE; CERAMIDE TRIHEXOSIDASE DEFICIENCY; GLA DEFICIENCY; HEREDITARY DYSTOPIC LIPIDOSIS. Identifiers: Orphanet 324, MedGen C0002986, MONDO:0010526, OMIM 301500, HP:0001071. Disease mechanism: Fabry disease is due to inactivating mutations in the X-linked GLA gene resulting in deficiency of the enzyme Alpha Galactosidase-A., loss of function.

Submission:

Labcorp Genetics (formerly Invitae), Labcorp
Classification: Uncertain significance for Fabry disease. Last evaluated: 2025-11-24. Review status: criteria provided, single submitter. Criteria: Invitae Variant Classification Sherloc (09022015). Collection method: clinical testing. Allele origin: germline.
Comment: This variant, c.1244_1246dup, results in the insertion of 1 amino acid(s) of the GLA protein (p.Leu415dup), but otherwise preserves the integrity of the reading frame. This variant is not present in population databases (gnomAD no frequency). This variant has not been reported in the literature in individuals affected with GLA-related conditions. In summary, the available evidence is currently insufficient to determine the role of this variant in disease. Therefore, it has been classified as a Variant of Uncertain Significance.